The following is an entry in ClinVar:

ClinVar aggregate classification (germline): Uncertain significance (1 of 4 stars; one submission).

Conditions:
Hereditary cancer-predisposing syndrome. Also called: Neoplastic Syndromes, Hereditary; Tumor predisposition; Hereditary neoplastic syndrome; Hereditary Cancer Syndrome. Identifiers: Orphanet 140162, MedGen C0027672, MeSH D009386, MONDO:0015356.

Submission:

Ambry Genetics
Classification: Uncertain significance for Hereditary cancer-predisposing syndrome. Last evaluated: 2024-04-24. Review status: criteria provided, single submitter. Criteria: Ambry Variant Classification Scheme 2023. Collection method: clinical testing. Allele origin: germline.
Comment: The p.M189V variant (also known as c.565A>G), located in coding exon 3 of the SMARCA4 gene, results from an A to G substitution at nucleotide position 565. The methionine at codon 189 is replaced by valine, an amino acid with highly similar properties. This amino acid position is highly conserved in available vertebrate species. In addition, the in silico prediction for this alteration is inconclusive. Based on the available evidence, the clinical significance of this variant remains unclear.

NM_003072.5(SMARCA4):c.565A>G (p.Met189Val)

Gene: SMARCA4 (SWI/SNF related BAF chromatin remodeling complex subunit ATPase 4; plus strand). Cytogenetic location: 19p13.2.
Variant type: single nucleotide variant.
Coding change: c.565A>G on transcript NM_003072.5 (MANE Select); coding-DNA position 565, A replaced by G.
Protein change: p.Met189Val; replaces methionine 189 with valine.
Molecular consequence: missense variant. On other transcripts: non-coding transcript variant (1).
Genome position (GRCh38, 1-based): chr19:10,986,398, A>G. VCF-style: chr19-10986398-A-G. GRCh37 (hg19) VCF-style: chr19-11097074-A-G.
Other names: c.565A>G, p.Met189Val (NM_001128844.3, NM_001128845.2, NM_001128846.2 and 6 more transcripts); short protein forms M189V.
Identifiers: ClinVar variation 3320712 (VCV003320712.1).